The following is an entry in ClinVar:

ClinVar aggregate classification (germline): Uncertain significance (1 of 4 stars; one submission).

Conditions:
Hereditary pheochromocytoma and paraganglioma. Also called: Hereditary paragangliomas and pheochromocytomas; Hereditary Paraganglioma-Pheochromocytoma Syndromes; Hereditary pheochromocytoma-paraganglioma. Identifiers: Orphanet 29072, MedGen C4274332, MONDO:0017366.

Allele frequency attached by ClinVar (database versions not stated): gnomAD exomes below 0.00001.
gnomAD v4.1: 1 of 1,614,088 alleles (0.000062%); no homozygotes.

Submission:

Labcorp Genetics (formerly Invitae), Labcorp
Classification: Uncertain significance for Hereditary pheochromocytoma and paraganglioma. Last evaluated: 2023-02-14. Review status: criteria provided, single submitter. Criteria: Invitae Variant Classification Sherloc (09022015). Collection method: clinical testing. Allele origin: germline.
Comment: This sequence change replaces tyrosine, which is neutral and polar, with histidine, which is basic and polar, at codon 72 of the SDHAF2 protein (p.Tyr72His). This variant is not present in population databases (gnomAD no frequency). This variant has not been reported in the literature in individuals affected with SDHAF2-related conditions. Algorithms developed to predict the effect of missense changes on protein structure and function (SIFT, PolyPhen-2, Align-GVGD) all suggest that this variant is likely to be disruptive. In summary, the available evidence is currently insufficient to determine the role of this variant in disease. Therefore, it has been classified as a Variant of Uncertain Significance.

NM_017841.4(SDHAF2):c.214T>C (p.Tyr72His)

Gene: SDHAF2 (succinate dehydrogenase complex assembly factor 2; plus strand). Cytogenetic location: 11q12.2.
Variant type: single nucleotide variant.
Coding change: c.214T>C on transcript NM_017841.4 (MANE Select); coding-DNA position 214, T replaced by C.
Protein change: p.Tyr72His; replaces tyrosine 72 with histidine.
Molecular consequence: missense variant.
Genome position (GRCh38, 1-based): chr11:61,437,802, T>C. VCF-style: chr11-61437802-T-C. GRCh37 (hg19) VCF-style: chr11-61205274-T-C.
Other names: short protein forms Y72H.
Identifiers: ClinVar variation 2104173 (VCV002104173.2), dbSNP rs2540124383, ClinGen allele CA380683670.